The following is an entry in ClinVar:

NM_000059.4(BRCA2):c.1313A>T (p.Asp438Val)

Gene: BRCA2 (BRCA2 DNA repair associated; plus strand). Cytogenetic location: 13q13.1.
Variant type: single nucleotide variant.
Coding change: c.1313A>T on transcript NM_000059.4 (MANE Select); coding-DNA position 1313, A replaced by T.
Protein change: p.Asp438Val; replaces aspartic acid 438 with valine.
Molecular consequence: missense variant.
Genome position (GRCh38, 1-based): chr13:32,332,791, A>T. VCF-style: chr13-32332791-A-T. GRCh37 (hg19) VCF-style: chr13-32906928-A-T.
Other names: short protein forms D438V.
Identifiers: ClinVar variation 1687144 (VCV001687144.4), dbSNP rs2137470041, ClinGen allele CA387762625.
Genomic context (GRCh38, chr13:32,332,791, plus strand): 5'-CATGTGACCAAAATATTTCAGAAAAAGACCTATTAGACACAGAGAACAAAAGAAAGAAAG[A>T]TTTTCTTACTTCAGAGAATTCTTTGCCACGTATTTCTAGCCTACCAAAATCAGAGAAGCC-3'
Protein context (NP_000050.3, residues 428-448): LLDTENKRKK[Asp438Val]FLTSENSLPR

ClinVar aggregate classification (germline): Likely benign. Review status: criteria provided, single submitter (1 of 4 stars). 2 submissions from 2 submitters: Likely benign (1). 1 of the submissions does not count toward it. Last evaluated 2023-03-23.

Conditions:
Hereditary cancer-predisposing syndrome. Also called: Hereditary Cancer Syndrome; Hereditary neoplastic syndrome; Neoplastic Syndromes, Hereditary; Tumor predisposition. Identifiers: Orphanet 140162, MedGen C0027672, MeSH D009386, MONDO:0015356.
Familial cancer of breast. Also called: BREAST CANCER, FAMILIAL; Hereditary breast cancer; hereditary breast carcinoma. Identifiers: Orphanet 227535, MedGen C0346153, MONDO:0016419, OMIM 114480. Disease mechanism: loss of function.

Submissions (2):

University of Washington Department of Laboratory Medicine, University of Washington
Classification: Likely benign for Hereditary cancer-predisposing syndrome. Last evaluated: 2023-03-23. Review status: criteria provided, single submitter. Criteria: Dines et al. (Genet Med. 2020). Collection method: curation. Allele origin: germline.
Comment: Missense variant in a coldspot region where missense variants are very unlikely to be pathogenic (PMID:31911673).

BRCA2 exon 10 coldspot. Reclassification based on statistical prior probability.

Center for Precision Medicine, Meizhou People's Hospital
Classification: Uncertain significance for Familial cancer of breast. Review status: no assertion criteria provided. Collection method: clinical testing. Allele origin: germline. Affected: yes. Not counted in ClinVar's aggregate classification.